The following is an entry in ClinVar:

ClinVar aggregate classification (germline): Pathogenic/Likely pathogenic. Review status: criteria provided, multiple submitters, no conflicts (2 of 4 stars). 6 submissions from 6 submitters: Pathogenic (4); Likely pathogenic (2). Last evaluated 2025-10-04.

Conditions:
Miyoshi muscular dystrophy 1 (MMD1). Identifiers: Orphanet 45448, MedGen C4551973, MONDO:0024545, OMIM 254130.
Autosomal recessive limb-girdle muscular dystrophy type 2B (LGMDR2). Also called: Limb-girdle muscular dystrophy, type 2B; MUSCULAR DYSTROPHY, LIMB-GIRDLE, TYPE 3; MUSCULAR DYSTROPHY, LIMB-GIRDLE, AUTOSOMAL RECESSIVE 2; Limb-Girdle Muscular Dystrophy Type 2B (LGMD2B). Identifiers: Orphanet 268, MedGen C1850889, MONDO:0009676, OMIM 253601.
Neuromuscular disease caused by qualitative or quantitative defects of dysferlin. Also called: Qualitative or quantitative defects of dysferlin; Dysferlinopathy. Identifiers: Orphanet 207073, MedGen C2931687, MONDO:0016145.

Submissions (6):

Natera, Inc.
Classification: Likely pathogenic for Limb-girdle muscular dystrophy type 2B. Last evaluated: 2025-10-04. Review status: criteria provided, single submitter. Criteria: Natera Variant Classification Schema (03/2026). Collection method: clinical testing. Allele origin: germline.
Comment: The c.1162delG variant in DYSF is a frameshift variant predicted to shift the reading frame beginning at codon 388 and leads to a stop codon 11 codons downstream. This variant is expected to result in nonsense mediated decay, truncation, or a dysfunctional protein product. This variant is rare in the general population with a frequency below the threshold expected for the associated phenotype(s). Given the available evidence, this variant is classified as Likely Pathogenic.

Labcorp Genetics (formerly Invitae), Labcorp
Classification: Pathogenic for Neuromuscular disease caused by qualitative or quantitative defects of dysferlin. Last evaluated: 2024-12-15. Review status: criteria provided, single submitter. Criteria: Invitae Variant Classification Sherloc (09022015). Collection method: clinical testing. Allele origin: germline.
Comment: This sequence change creates a premature translational stop signal (p.Ala388Profs*11) in the DYSF gene. It is expected to result in an absent or disrupted protein product. Loss-of-function variants in DYSF are known to be pathogenic (PMID: 17698709, 20301480). This variant is present in population databases (rs779969348, gnomAD 0.009%). This premature translational stop signal has been observed in individual(s) with clinical features of limb-girdle muscular dystrophy (internal data). ClinVar contains an entry for this variant (Variation ID: 1070532). For these reasons, this variant has been classified as Pathogenic.

Broad Center for Mendelian Genomics, Broad Institute of MIT and Harvard
Classification: Pathogenic for Neuromuscular disease caused by qualitative or quantitative defects of dysferlin. Last evaluated: 2023-05-02. Review status: criteria provided, single submitter. Criteria: ACMG Guidelines, 2015. Collection method: curation. Allele origin: germline. Inheritance: Autosomal recessive inheritance.
Comment: Trio exome analysis revealed that this variant was in trans with a likely pathogenic variant (ClinVar Variation ID: 242418). The p.Ala420ProfsTer11 variant in DYSF has not been previously reported in individuals with limb-girdle muscular dystrophy 2 but has been identified in 0.009% (3/34582) of Latino/Admixed American chromosomes by the Genome Aggregation Database (gnomAD; dbSNP ID: rs527435707). Although this variant has been seen in the general population in a heterozygous state, its frequency is low enough to be consistent with a recessive carrier frequency. This variant has also been reported in ClinVar (Variation ID: 1070532) and has been interpreted as pathogenic by Invitae and the CeGaT Center for Human Genetics Tuebingen. This variant is predicted to cause a frameshift, which alters the protein‚Äôs amino acid sequence beginning at position 420 and leads to a premature termination codon 11 amino acids downstream. This alteration is then predicted to lead to a truncated or absent protein. Loss of function of the DYSF gene is an established disease mechanism in autosomal recessive limb-girdle muscular dystrophy 2. In summary, this variant meets criteria to be classified as pathogenic for autosomal recessive limb-girdle muscular dystrophy 2. ACMG/AMP Criteria applied: PVS1, PM2_Supporting, PM3 (Richards 2015).

Baylor Genetics
Classification: Pathogenic for Miyoshi muscular dystrophy 1. Last evaluated: 2023-02-23. Review status: criteria provided, single submitter. Criteria: ACMG Guidelines, 2015. Collection method: clinical testing. Allele origin: unknown.

CeGaT Center for Human Genetics Tuebingen
Classification: Pathogenic. Last evaluated: 2021-08-01. Review status: criteria provided, single submitter. Criteria: CeGaT Center For Human Genetics Tuebingen Variant Classification Criteria Version 2. Collection method: clinical testing. Allele origin: germline. Affected: yes. Observed: 1 variant allele.

Neuberg Centre For Genomic Medicine, NCGM
Classification: Likely pathogenic for Autosomal recessive limb-girdle muscular dystrophy type 2B. Review status: criteria provided, single submitter. Criteria: ACMG Guidelines, 2015. Collection method: clinical testing. Allele origin: germline. Inheritance: Autosomal recessive inheritance. Affected: yes.
Comment: The frameshift c.1258del p.Ala420ProfsTer11 variant in DYSF gene has not been reported previously as a pathogenic variant nor as a benign variant, to our knowledge. The p.Ala420ProfsTer11 variant is reported with allele frequency of 0.002% in gnomAD Exomes and is novel not in any individuals in 1000 Genomes. This variant has been reported to the ClinVar database as Pathogenic. This variant causes a frameshift starting with codon Alanine 420, changes this amino acid to Proline residue, and creates a premature Stop codon at position 11 of the new reading frame, denoted p.Ala420ProfsTer11. This variant is predicted to cause loss of normal protein function through protein truncation. Loss of function variants have been previously reported to be disease causing. However, additional functional studies will be required to prove the pathogenicity of this variant. For these reasons, this variant has been classified as Likely Pathogenic.

Literature cited by the submitters: PubMed 17698709 (cited by Labcorp Genetics (formerly Invitae), Labcorp); PubMed 20301480 (cited by Labcorp Genetics (formerly Invitae), Labcorp).

NM_001130987.2(DYSF):c.1258del (p.Ala420fs)

Gene: DYSF (dysferlin; plus strand). Cytogenetic location: 2p13.2.
Variant type: Deletion.
Coding change: c.1258del on transcript NM_001130987.2 (MANE Select); coding-DNA position 1258, one base deleted (G; older notation c.1258delG).
Protein change: p.Ala420fs; shifts the reading frame from alanine 420.
Molecular consequence: frameshift variant.
Genome position (GRCh38, 1-based): chr2:71,526,328, G deleted; the last of 3 consecutive G bases (chr2:71,526,326-71,526,328); deleting any one gives the same sequence. VCF-style (leftmost placement, unchanged base first): chr2-71526325-CG-C. GRCh37 (hg19) VCF-style: chr2-71753455-CG-C.
Other names: NM_001130987.2(DYSF):c.1258del; p.Ala420fs; c.1165del, p.Ala389fs (NM_001130984.2, NM_001130986.2, NM_001130455.2 and 1 more transcripts); c.1258del, p.Ala420fs (NM_001130985.2, NM_001130982.2); c.1162del, p.Ala388fs (NM_003494.4, NM_001130976.2, NM_001130977.2 and 1 more transcripts); c.1255del, p.Ala419fs (NM_001130979.2, NM_001130980.2, NM_001130981.2); c.1162delG (NM_003494.3); short protein forms A388fs, A389fs, A419fs, A420fs.
Identifiers: ClinVar variation 1070532 (VCV001070532.49), dbSNP rs779969348, ClinGen allele CA1705661.